The following is an entry in ClinVar:

ClinVar aggregate classification (germline): Uncertain significance. Review status: criteria provided, multiple submitters, no conflicts (2 of 4 stars). 2 submissions from 2 submitters: Uncertain significance (2). Last evaluated 2024-11-21.

Conditions:
Hereditary cancer-predisposing syndrome. Also called: Hereditary neoplastic syndrome; Neoplastic Syndromes, Hereditary; Tumor predisposition; Hereditary Cancer Syndrome. Identifiers: Orphanet 140162, MedGen C0027672, MeSH D009386, MONDO:0015356.
Ataxia-telangiectasia syndrome (AT). Also called: Ataxia telangiectasia (A-T); LOUIS-BAR SYNDROME; Cerebello-oculocutaneous telangiectasia; Immunodeficiency with ataxia telangiectasia; Ataxia-telangiectasia, complementation group D; AT, COMPLEMENTATION GROUP C. Identifiers: Orphanet 100, MedGen C0004135, MONDO:0008840, OMIM 208900.

Submissions (2):

Ambry Genetics
Classification: Uncertain significance for Hereditary cancer-predisposing syndrome. Last evaluated: 2024-11-21. Review status: criteria provided, single submitter. Criteria: Ambry Variant Classification Scheme 2023. Collection method: clinical testing. Allele origin: germline.
Comment: The p.A2045V variant (also known as c.6134C>T), located in coding exon 41 of the ATM gene, results from a C to T substitution at nucleotide position 6134. The alanine at codon 2045 is replaced by valine, an amino acid with similar properties. This amino acid position is highly conserved in available vertebrate species. In addition, the in silico prediction for this alteration is inconclusive. Based on the available evidence, the clinical significance of this variant remains unclear.

Labcorp Genetics (formerly Invitae), Labcorp
Classification: Uncertain significance for Ataxia-telangiectasia syndrome. Last evaluated: 2024-10-03. Review status: criteria provided, single submitter. Criteria: Invitae Variant Classification Sherloc (09022015). Collection method: clinical testing. Allele origin: germline.
Comment: This sequence change replaces alanine, which is neutral and non-polar, with valine, which is neutral and non-polar, at codon 2045 of the ATM protein (p.Ala2045Val). This variant is not present in population databases (gnomAD no frequency). This variant has not been reported in the literature in individuals affected with ATM-related conditions. ClinVar contains an entry for this variant (Variation ID: 1751805). Invitae Evidence Modeling of protein sequence and biophysical properties (such as structural, functional, and spatial information, amino acid conservation, physicochemical variation, residue mobility, and thermodynamic stability) indicates that this missense variant is not expected to disrupt ATM protein function with a negative predictive value of 95%. In summary, the available evidence is currently insufficient to determine the role of this variant in disease. Therefore, it has been classified as a Variant of Uncertain Significance.

NM_000051.4(ATM):c.6134C>T (p.Ala2045Val)

Genes: ATM (ATM serine/threonine kinase; plus strand), C11orf65 (chromosome 11 open reading frame 65; minus strand). Cytogenetic location: 11q22.3.
Variant type: single nucleotide variant.
Coding change: c.6134C>T on transcript NM_000051.4 (MANE Select); coding-DNA position 6134, C replaced by T.
Protein change: p.Ala2045Val; replaces alanine 2045 with valine.
Molecular consequence: missense variant. On other transcripts: intron variant (2).
Genome position (GRCh38, 1-based): chr11:108,316,049, C>T. VCF-style: chr11-108316049-C-T. GRCh37 (hg19) VCF-style: chr11-108186776-C-T.
Other names: c.6134C>T, p.Ala2045Val (NM_001351834.2); c.641-6978G>A (NM_001330368.2); c.*39-6978G>A (NM_001351110.2); short protein forms A2045V.
Identifiers: ClinVar variation 1751805 (VCV001751805.5), dbSNP rs879254147, ClinGen allele CA382550502.